The following is an entry in ClinVar:

NM_001985.3(ETFB):c.368del (p.Gly123fs)

Gene: ETFB (electron transfer flavoprotein subunit beta; minus strand). Cytogenetic location: 19q13.41.
Variant type: Deletion.
Coding change: c.368del on transcript NM_001985.3 (MANE Select); coding-DNA position 368, one base deleted (G; older notation c.368delG).
Protein change: p.Gly123fs; shifts the reading frame from glycine 123.
Molecular consequence: frameshift variant.
Genome position (GRCh38, 1-based): chr19:51,353,139, C deleted on the plus strand (G on the coding strand, the reverse complement: ETFB is on the minus strand); the first of 3 consecutive C bases (chr19:51,353,139-51,353,141); deleting any one gives the same sequence. VCF-style (leftmost placement, unchanged base first): chr19-51353138-GC-G. GRCh37 (hg19) VCF-style: chr19-51856392-GC-G.
Other names: c.641del, p.Gly214fs (NM_001014763.1); short protein forms G123fs, G214fs.
Identifiers: ClinVar variation 4769409 (VCV004769409.1).

ClinVar aggregate classification (germline): Pathogenic (1 of 4 stars; one submission).

Conditions:
Multiple acyl-CoA dehydrogenase deficiency (MADD). Also called: Glutaric aciduria, type 2; Glutaric acidemia type II; GA 2; Glutaric Acidemia type 2; ETHYLMALONIC-ADIPICACIDURIA; GA II. Identifiers: Orphanet 26791, MedGen C0268596, MONDO:0009282, OMIM 231680.

Submission:

Labcorp Genetics (formerly Invitae), Labcorp
Classification: Pathogenic for Multiple acyl-CoA dehydrogenase deficiency. Last evaluated: 2026-01-20. Review status: criteria provided, single submitter. Criteria: Invitae Variant Classification Sherloc (09022015). Collection method: clinical testing. Allele origin: germline.
Comment: This sequence change creates a premature translational stop signal (p.Gly123Alafs*15) in the ETFB gene. It is expected to result in an absent or disrupted protein product. Loss-of-function variants in ETFB are known to be pathogenic (PMID: 16510302, 23785301). This variant is not present in population databases (gnomAD no frequency). This variant has not been reported in the literature in individuals affected with ETFB-related conditions. For these reasons, this variant has been classified as Pathogenic.

Literature cited by the submitters: PubMed 16510302; PubMed 23785301.